The following is an entry in ClinVar:

NM_001374385.1(ATP8B1):c.1659C>T (p.Pro553=)

Gene: ATP8B1 (ATPase phospholipid transporting 8B1; minus strand). Cytogenetic location: 18q21.31.
Variant type: single nucleotide variant.
Coding change: c.1659C>T on transcript NM_001374385.1 (MANE Select); coding-DNA position 1659, C replaced by T.
Protein change: p.Pro553=; no amino-acid change (proline 553 retained).
Molecular consequence: synonymous variant.
Genome position (GRCh38, 1-based): chr18:57,674,994, G>A on the plus strand (C>T on the coding strand, the complement: ATP8B1 is on the minus strand). VCF-style: chr18-57674994-G-A. GRCh37 (hg19) VCF-style: chr18-55342226-G-A.
Other names: c.1659C>T (NM_005603.4); c.1509C>T, p.Pro503= (NM_001374386.1); c.1659C>T, p.Pro553= (NM_005603.6).
Identifiers: ClinVar variation 291027 (VCV000291027.11), dbSNP rs761202112, ClinGen allele CA8974505.

ClinVar aggregate classification (germline): Conflicting classifications of pathogenicity. Review status: criteria provided, conflicting classifications (1 of 4 stars). 4 submissions from 4 submitters: Uncertain significance (1); Likely benign (2). 1 of the submissions does not count toward it. Last evaluated 2026-04-14.

Conditions:
Familial intrahepatic cholestasis. Identifiers: Orphanet 284385, MedGen CN296401, MONDO:0017290.
ATP8B1-related disorder. Also called: ATP8B1-related condition; ATP8B1-related disorders.

Allele frequency attached by ClinVar (database versions not stated): ExAC 0.00003; gnomAD 0.00004; gnomAD exomes 0.00004; TOPMed 0.00004.
gnomAD v4.1: 43 of 1,614,044 alleles (0.0027%); highest among the groups gnomAD compares: Admixed American, 0.017%; no homozygotes.

Submissions (4):

Genomenon, Inc
Classification: Likely benign for Familial intrahepatic cholestasis. Last evaluated: 2026-04-14. Review status: criteria provided, single submitter. Criteria: Genomenon Sequence Variant Interpretation Standards - Updated. Collection method: curation. Allele origin: germline. Affected: yes.
Comment: ATP8B1 c.1659C>T is a synonymous variant that retains Proline at residue 553. This variant has been observed in at least one proband with features of ATP8B1-deficiency (PMID:28733223). It is absent or not present at a significant frequency in gnomAD. This synonymous variant is not predicted to impact splicing. In conclusion, we classify ATP8B1 p.Pro553= (c.1659C>T) as a likely benign variant.

Labcorp Genetics (formerly Invitae), Labcorp
Classification: Likely benign. Last evaluated: 2024-01-25. Review status: criteria provided, single submitter. Criteria: Invitae Variant Classification Sherloc (09022015). Collection method: clinical testing. Allele origin: germline.

Eurofins Ntd Llc (ga)
Classification: Uncertain significance. Last evaluated: 2016-08-29. Review status: criteria provided, single submitter. Criteria: EGL Classification Definitions 2015. Collection method: clinical testing. Allele origin: germline. Observed: 1 variant allele, 1 heterozygote.

PreventionGenetics, part of Exact Sciences
Classification: Likely benign for ATP8B1-related condition. Last evaluated: 2021-04-01. Review status: no assertion criteria provided. Collection method: clinical testing. Allele origin: germline. Not counted in ClinVar's aggregate classification.
Comment: This variant is classified as likely benign based on ACMG/AMP sequence variant interpretation guidelines (Richards et al. 2015 PMID: 25741868, with internal and published modifications).

Literature cited by the submitters: PubMed 28733223 (cited by Genomenon, Inc).